The following is an entry in ClinVar:

NM_001261826.3(AP3D1):c.1312G>A (p.Ala438Thr)

Gene: AP3D1 (adaptor related protein complex 3 subunit delta 1; minus strand). Cytogenetic location: 19p13.3.
Variant type: single nucleotide variant.
Coding change: c.1312G>A on transcript NM_001261826.3 (MANE Select); coding-DNA position 1312, G replaced by A.
Protein change: p.Ala438Thr; replaces alanine 438 with threonine.
Molecular consequence: missense variant.
Genome position (GRCh38, 1-based): chr19:2,121,031, C>T on the plus strand (G>A on the coding strand, the complement: AP3D1 is on the minus strand). VCF-style: chr19-2121031-C-T. GRCh37 (hg19) VCF-style: chr19-2121030-C-T.
Other names: c.1312G>A, p.Ala438Thr (NM_001374799.1, NM_003938.8); c.1312G>A (NM_003938.5); short protein forms A438T.
Identifiers: ClinVar variation 3020882 (VCV003020882.4), dbSNP rs778701220, ClinGen allele CA9059349.
Genomic context (GRCh38, chr19:2,121,031, plus strand): 5'-GGGACACGGCGAACTTGCGGATGGCCTTCACGCGGATGGCCACGTCCAGCATTTGGGCGG[C>T]GATGAGGTGGCCGTGCCGTGTGCCCTCCAGCCGGGTCAGCTCCACCAGGATGCTGATGTA-3'
Protein context (NP_001248755.1, residues 428-448): LEGTRHGHLI[Ala438Thr]AQMLDVAIRV

ClinVar aggregate classification (germline): Uncertain significance. Review status: criteria provided, multiple submitters, no conflicts (2 of 4 stars). 2 submissions from 2 submitters: Uncertain significance (2). Last evaluated 2025-02-14.

Conditions:
Inborn genetic diseases. Identifiers: MedGen C0950123, MeSH D030342.

Allele frequency attached by ClinVar (database versions not stated): TOPMed 0.00001; gnomAD 0.00002; gnomAD exomes 0.00002; ExAC 0.00003.
gnomAD v4.1: 35 of 1,612,506 alleles (0.0022%); highest among the groups gnomAD compares: East Asian, 0.0045%; no homozygotes.

Submissions (2):

Ambry Genetics
Classification: Uncertain significance for Inborn genetic diseases. Last evaluated: 2025-02-14. Review status: criteria provided, single submitter. Criteria: Ambry Variant Classification Scheme 2023. Collection method: clinical testing. Allele origin: germline.

Labcorp Genetics (formerly Invitae), Labcorp
Classification: Uncertain significance. Last evaluated: 2024-05-16. Review status: criteria provided, single submitter. Criteria: Invitae Variant Classification Sherloc (09022015). Collection method: clinical testing. Allele origin: germline.
Comment: This sequence change replaces alanine, which is neutral and non-polar, with threonine, which is neutral and polar, at codon 438 of the AP3D1 protein (p.Ala438Thr). This variant is present in population databases (rs778701220, gnomAD 0.004%). This variant has not been reported in the literature in individuals affected with AP3D1-related conditions. An algorithm developed to predict the effect of missense changes on protein structure and function (PolyPhen-2) suggests that this variant is likely to be disruptive. In summary, the available evidence is currently insufficient to determine the role of this variant in disease. Therefore, it has been classified as a Variant of Uncertain Significance.